The following is an entry in ClinVar:

ClinVar aggregate classification (germline): Uncertain significance (1 of 4 stars; one submission).

Allele frequency attached by ClinVar (database versions not stated): gnomAD 0.00001; gnomAD exomes 0.00001.
gnomAD v4.1: 9 of 1,536,864 alleles (0.00059%); highest among the groups gnomAD compares: Admixed American, 0.002%; no homozygotes.

Submission:

Labcorp Genetics (formerly Invitae), Labcorp
Classification: Uncertain significance. Last evaluated: 2022-03-19. Review status: criteria provided, single submitter. Criteria: Invitae Variant Classification Sherloc (09022015). Collection method: clinical testing. Allele origin: germline.
Comment: This sequence change replaces arginine, which is basic and polar, with glutamine, which is neutral and polar, at codon 879 of the LOXHD1 protein (p.Arg879Gln). This variant is present in population databases (no rsID available, gnomAD 0.002%). This variant has not been reported in the literature in individuals affected with LOXHD1-related conditions. Algorithms developed to predict the effect of missense changes on protein structure and function are either unavailable or do not agree on the potential impact of this missense change (SIFT: "Deleterious"; PolyPhen-2: "Benign"; Align-GVGD: "Class C0"). In summary, the available evidence is currently insufficient to determine the role of this variant in disease. Therefore, it has been classified as a Variant of Uncertain Significance.

NM_001384474.1(LOXHD1):c.2636G>A (p.Arg879Gln)

Gene: LOXHD1 (lipoxygenase homology PLAT domains 1; minus strand). Cytogenetic location: 18q21.1.
Variant type: single nucleotide variant.
Coding change: c.2636G>A on transcript NM_001384474.1 (MANE Select); coding-DNA position 2636, G replaced by A.
Protein change: p.Arg879Gln; replaces arginine 879 with glutamine.
Molecular consequence: missense variant.
Genome position (GRCh38, 1-based): chr18:46,560,508, C>T on the plus strand (G>A on the coding strand, the complement: LOXHD1 is on the minus strand). VCF-style: chr18-46560508-C-T. GRCh37 (hg19) VCF-style: chr18-44140471-C-T.
Other names: c.2636G>A, p.Arg879Gln (NM_144612.7); short protein forms R879Q.
Identifiers: ClinVar variation 2195731 (VCV002195731.1), dbSNP rs1036336850, ClinGen allele CA299794618.